The following is an entry in ClinVar:

ClinVar aggregate classification (germline): Uncertain significance (1 of 4 stars; one submission).

Conditions:
Spastic paraplegia. Identifiers: MedGen C0037772, HP:0001258.

Allele frequency attached by ClinVar (database versions not stated): gnomAD exomes below 0.00001.
gnomAD v4.1: 3 of 1,613,918 alleles (0.00019%); highest among the groups gnomAD compares: Non-Finnish European, 0.00025%; no homozygotes.

Submission:

Labcorp Genetics (formerly Invitae), Labcorp
Classification: Uncertain significance for Spastic paraplegia. Last evaluated: 2022-04-05. Review status: criteria provided, single submitter. Criteria: Invitae Variant Classification Sherloc (09022015). Collection method: clinical testing. Allele origin: germline.
Comment: Algorithms developed to predict the effect of missense changes on protein structure and function are either unavailable or do not agree on the potential impact of this missense change (SIFT: "Tolerated"; PolyPhen-2: "Possibly Damaging"; Align-GVGD: "Class C0"). In summary, the available evidence is currently insufficient to determine the role of this variant in disease. Therefore, it has been classified as a Variant of Uncertain Significance. This sequence change replaces glutamine, which is neutral and polar, with arginine, which is basic and polar, at codon 377 of the HSPD1 protein (p.Gln377Arg). This variant has not been reported in the literature in individuals affected with HSPD1-related conditions. This variant is not present in population databases (gnomAD no frequency).

NM_002156.5(HSPD1):c.1130A>G (p.Gln377Arg)

Gene: HSPD1 (heat shock protein family D (Hsp60) member 1; minus strand). Cytogenetic location: 2q33.1.
Variant type: single nucleotide variant.
Coding change: c.1130A>G on transcript NM_002156.5 (MANE Select); coding-DNA position 1130, A replaced by G.
Protein change: p.Gln377Arg; replaces glutamine 377 with arginine.
Molecular consequence: missense variant.
Genome position (GRCh38, 1-based): chr2:197,489,087, T>C on the plus strand (A>G on the coding strand, the complement: HSPD1 is on the minus strand). VCF-style: chr2-197489087-T-C. GRCh37 (hg19) VCF-style: chr2-198353811-T-C.
Other names: c.1130A>G, p.Gln377Arg (NM_199440.2); short protein forms Q377R.
Identifiers: ClinVar variation 2057380 (VCV002057380.4), dbSNP rs2470108390, ClinGen allele CA350199459.
Genomic context (GRCh38, chr2:197,489,087, plus strand): 5'-AGTTTTGCAAGCCGTTCATTCAGTTTTTCCTTTTCATATTCACTAGTTGTGACATCTAAC[T>C]GCTCAATGATTTCTTGAATACGTTTTTCAATTTGAGCCTTGTCACCTTTTCCTTTTAAGA-3'
Protein context (NP_002147.2, residues 367-387): IEKRIQEIIE[Gln377Arg]LDVTTSEYEK